The following is an entry in ClinVar:

NM_002225.5(IVD):c.297C>T (p.Gly99=)

Gene: IVD (isovaleryl-CoA dehydrogenase; plus strand). Cytogenetic location: 15q15.1.
Variant type: single nucleotide variant.
Coding change: c.297C>T on transcript NM_002225.5 (MANE Select); coding-DNA position 297, C replaced by T.
Protein change: p.Gly99=; no amino-acid change (glycine 99 retained).
Molecular consequence: synonymous variant. On other transcripts: non-coding transcript variant (1).
Genome position (GRCh38, 1-based): chr15:40,410,638, C>T. VCF-style: chr15-40410638-C-T. GRCh37 (hg19) VCF-style: chr15-40702837-C-T.
Other names: c.207C>T, p.Gly69= (NM_001159508.3); c.249C>T, p.Gly83= (NM_001354597.3); c.297C>T, p.Gly99= (NM_001354598.3, NM_001354601.3); c.384C>T, p.Gly128= (NM_001354599.3, NM_001354600.3).
Identifiers: ClinVar variation 1082951 (VCV001082951.23), dbSNP rs377129112, ClinGen allele CA7480594.

ClinVar aggregate classification (germline): Likely benign. Review status: criteria provided, multiple submitters, no conflicts (2 of 4 stars). 2 submissions from 2 submitters: Likely benign (2). Last evaluated 2025-11-16.

Conditions:
Isovaleryl-CoA dehydrogenase deficiency (IVA). Also called: IVD DEFICIENCY; Classic Isovaleric Acidemia; ISOVALERIC ACID CoA DEHYDROGENASE DEFICIENCY; Isovaleric acidemia. Identifiers: Orphanet 33, MedGen C0268575, MONDO:0009475, OMIM 243500.

Allele frequency attached by ClinVar (database versions not stated): gnomAD 0.00001; ExAC 0.00002; gnomAD exomes 0.00002.
gnomAD v4.1: 20 of 1,614,076 alleles (0.0012%); highest among the groups gnomAD compares: Admixed American, 0.0033%; no homozygotes.

Submissions (2):

Labcorp Genetics (formerly Invitae), Labcorp
Classification: Likely benign for Isovaleryl-CoA dehydrogenase deficiency. Last evaluated: 2025-11-16. Review status: criteria provided, single submitter. Criteria: Invitae Variant Classification Sherloc (09022015). Collection method: clinical testing. Allele origin: germline.

CeGaT Center for Human Genetics Tuebingen
Classification: Likely benign. Last evaluated: 2024-09-01. Review status: criteria provided, single submitter. Criteria: CeGaT Center For Human Genetics Tuebingen Variant Classification Criteria Version 2. Collection method: clinical testing. Allele origin: germline. Affected: yes. Observed: 1 variant allele.
Comment: IVD: BP4, BP7